The following is an entry in ClinVar:

NM_001369268.1(ACAN):c.4929del (p.Ser1644fs)

Gene: ACAN (aggrecan; plus strand). Cytogenetic location: 15q26.1.
Variant type: Deletion.
Coding change: c.4929del on transcript NM_001369268.1 (MANE Select); coding-DNA position 4929, one base deleted (C; older notation c.4929delC).
Protein change: p.Ser1644fs; shifts the reading frame from serine 1644.
Molecular consequence: frameshift variant.
Genome position (GRCh38, 1-based): chr15:88,857,514, C deleted; the last of 3 consecutive C bases (chr15:88,857,512-88,857,514); deleting any one gives the same sequence. VCF-style (leftmost placement, unchanged base first): chr15-88857511-AC-A. GRCh37 (hg19) VCF-style: chr15-89400742-AC-A.
Other names: p.Ser1644Leufs*18; c.4929del, p.Ser1644fs (NM_001135.4, NM_001411096.1, NM_001411097.1 and 1 more transcripts); short protein forms S1644fs.
Identifiers: ClinVar variation 4082364 (VCV004082364.1).
Genomic context (GRCh38, chr15:88,857,511, plus strand): 5'-AAGTGGTCTTCCCTCTGGATTTAGTGGTGAGTATTCTGGGGTGGACCTTGGAAGTGGCCC[AC>A]CCTCTGGCCTGCCTGACTTTAGTGGACTTCCATCTGGATTCCCAACTGTTTCCCTAGTGG-3'

ClinVar aggregate classification (germline): Pathogenic (1 of 4 stars; one submission).

Conditions:
Spondyloepiphyseal dysplasia, Kimberley type. Identifiers: Orphanet 93283, MedGen C1842149, MONDO:0012019, OMIM 608361.

Submission:

Molecular Genetics and NGS Laboratory, Hospital Fundacion Valle Del Lili
Classification: Pathogenic for Spondyloepiphyseal dysplasia, Kimberley type. Last evaluated: 2025-08-25. Review status: criteria provided, single submitter. Criteria: ACMG Guidelines, 2015. Collection method: clinical testing. Allele origin: germline. Affected: yes. Observed: 2 variant alleles.
Comment: Based on the clinical evidence, we propose its reclassification as a pathogenic variant, with intrafamilial variable expressivity.